The following is an entry in ClinVar:

NM_001298.3(CNGA3):c.1982G>A (p.Arg661His)

Gene: CNGA3 (cyclic nucleotide gated channel subunit alpha 3; plus strand). Cytogenetic location: 2q11.2.
Variant type: single nucleotide variant.
Coding change: c.1982G>A on transcript NM_001298.3 (MANE Select); coding-DNA position 1982, G replaced by A.
Protein change: p.Arg661His; replaces arginine 661 with histidine.
Molecular consequence: missense variant.
Genome position (GRCh38, 1-based): chr2:98,397,152, G>A. VCF-style: chr2-98397152-G-A. GRCh37 (hg19) VCF-style: chr2-99013615-G-A.
Other names: c.1928G>A, p.Arg643His (NM_001079878.2); short protein forms R643H, R661H.
Identifiers: ClinVar variation 864739 (VCV000864739.19), dbSNP rs144715956, ClinGen allele CA1794130.

ClinVar aggregate classification (germline): Conflicting classifications of pathogenicity. Review status: criteria provided, conflicting classifications (1 of 4 stars). 6 submissions from 6 submitters: Pathogenic (1); Likely pathogenic (4); Uncertain significance (1). Last evaluated 2026-01-04.

Conditions:
CNGA3-related disorders.
Achromatopsia 2 (ACHM2). Also called: ROD MONOCHROMACY 2; ROD MONOCHROMATISM 2; COLORBLINDNESS, TOTAL. Identifiers: Orphanet 49382, MedGen C1857618, MONDO:0009003, OMIM 216900.

Allele frequency attached by ClinVar (database versions not stated): gnomAD exomes 0.00002 and 0.00003; ExAC 0.00003; gnomAD 0.00005 and 0.00006; ESP Exome Variant Server 0.00008; TOPMed 0.00008.
gnomAD v4.1: 42 of 1,613,984 alleles (0.0026%); highest among the groups gnomAD compares: African/African-American, 0.012%; no homozygotes.

Submissions (6):

Labcorp Genetics (formerly Invitae), Labcorp
Classification: Pathogenic. Last evaluated: 2026-01-04. Review status: criteria provided, single submitter. Criteria: Invitae Variant Classification Sherloc (09022015). Collection method: clinical testing. Allele origin: germline.
Comment: This sequence change replaces arginine, which is basic and polar, with histidine, which is basic and polar, at codon 661 of the CNGA3 protein (p.Arg661His). This variant is present in population databases (rs144715956, gnomAD 0.03%). This missense change has been observed in individuals with achromatopsia and/or cone dystrophy (PMID: 32913385; internal data). ClinVar contains an entry for this variant (Variation ID: 864739). Invitae Evidence Modeling of protein sequence and biophysical properties (such as structural, functional, and spatial information, amino acid conservation, physicochemical variation, residue mobility, and thermodynamic stability) has been performed for this missense variant. However, the output from this modeling did not meet the statistical confidence thresholds required to predict the impact of this variant on CNGA3 protein function. Experimental studies have shown that this missense change affects CNGA3 function (PMID: 37689994). This variant disrupts the p.Arg661 amino acid residue in CNGA3. Other variant(s) that disrupt this residue have been determined to be pathogenic (PMID: 24676353, 30711023; internal data). This suggests that this residue is clinically significant, and that variants that disrupt this residue are likely to be disease-causing. For these reasons, this variant has been classified as Pathogenic.

Women's Health and Genetics/Laboratory Corporation of America, LabCorp
Classification: Likely pathogenic for Achromatopsia 2. Last evaluated: 2025-05-30. Review status: criteria provided, single submitter. Criteria: LabCorp Variant Classification Summary - May 2015. Collection method: clinical testing. Allele origin: germline.
Comment: Variant summary: CNGA3 c.1982G>A (p.Arg661His) results in a non-conservative amino acid change located in the Cyclic nucleotide-gated channel, C-terminal leucine zipper domain (IPR032406) of the encoded protein sequence. Algorithms developed to predict the effect of missense changes on protein structure and function all suggest that this variant is likely to be disruptive. The variant allele was found at a frequency of 2.8e-05 in 250740 control chromosomes. c.1982G>A has been observed in individual(s) affected with Achromatopsia 2 (Sun_2020, internal_testing). These data indicate that the variant may be associated with disease. At least one publication reports experimental evidence evaluating an impact on protein function. The most pronounced variant effect results in >60-70% of normal channel activity (example, Solaki_2023). Additionally, two different missense at the same codon (p.Arg661Ser, p.Arg661Cys) have been reported on the pathogenic spectrum in ClinVar, supporting the relevance of codon 661 to CNGA3 protein function. The following publications have been ascertained in the context of this evaluation (PMID: 32913385, 37689994). ClinVar contains an entry for this variant (Variation ID: 864739). Based on the evidence outlined above, the variant was classified as likely pathogenic.

Dasa
Classification: Likely pathogenic. Last evaluated: 2025-03-20. Review status: criteria provided, single submitter. Criteria: DASA Assertion Criteria. Collection method: clinical testing. Allele origin: germline.
Comment: NM_001298.3(CNGA3):c.1982G>A (p.Arg661His) is a missense variant that results in the substitution of arginine with histidine. The affected residue or protein region has prior evidence supporting clinical relevance. This variant has been reported in individuals with CNGA3-related disorders (PMID: 32913385). Also, this variant is rare in population databases. Computational evidence supports a deleterious effect. Based on the currently available evidence, this variant is classified as likely pathogenic.

Fulgent Genetics
Classification: Likely pathogenic for Achromatopsia 2. Last evaluated: 2024-05-22. Review status: criteria provided, single submitter. Criteria: ACMG Guidelines, 2015. Collection method: clinical testing. Allele origin: germline.

Blueprint Genetics
Classification: Likely pathogenic for CNGA3-related disorders. Last evaluated: 2022-06-16. Review status: criteria provided, single submitter. Criteria: ACMG Guidelines, 2015. Collection method: clinical testing. Allele origin: germline. Affected: yes. Observed: 5 variant alleles.

Illumina Laboratory Services, Illumina
Classification: Uncertain significance for Achromatopsia 2. Last evaluated: 2018-01-12. Review status: criteria provided, single submitter. Criteria: ICSL Variant Classification Criteria 13 December 2019. Collection method: clinical testing. Allele origin: germline.

Literature cited by the submitters: PubMed 32913385 (cited by 3 submitters); PubMed 37689994 (cited by Labcorp Genetics (formerly Invitae), Labcorp and Women's Health and Genetics/Laboratory Corporation of America, LabCorp); PubMed 24676353 (cited by Labcorp Genetics (formerly Invitae), Labcorp and Dasa); PubMed 30711023 (cited by Labcorp Genetics (formerly Invitae), Labcorp).